The following is an entry in ClinVar:

ClinVar aggregate classification (germline): Uncertain significance (1 of 4 stars; one submission).

Allele frequency attached by ClinVar (database versions not stated): gnomAD exomes 0.00005; ExAC 0.00011; gnomAD 0.00012 and 0.00013; TOPMed 0.00012; 1000 Genomes Project 0.00040; 1000 Genomes Project 30x 0.00047.
gnomAD v4.1: 45 of 1,570,048 alleles (0.0029%); highest among the groups gnomAD compares: African/African-American, 0.057%; no homozygotes.

Submission:

Labcorp Genetics (formerly Invitae), Labcorp
Classification: Uncertain significance. Last evaluated: 2022-09-13. Review status: criteria provided, single submitter. Criteria: Invitae Variant Classification Sherloc (09022015). Collection method: clinical testing. Allele origin: germline.
Comment: This sequence change replaces serine, which is neutral and polar, with phenylalanine, which is neutral and non-polar, at codon 63 of the PIGP protein (p.Ser63Phe). This variant is present in population databases (rs114530906, gnomAD 0.08%). This variant has not been reported in the literature in individuals affected with PIGP-related conditions. ClinVar contains an entry for this variant (Variation ID: 1362668). Algorithms developed to predict the effect of missense changes on protein structure and function are either unavailable or do not agree on the potential impact of this missense change (SIFT: "Deleterious"; PolyPhen-2: "Possibly Damaging"; Align-GVGD: "Class C15"). In summary, the available evidence is currently insufficient to determine the role of this variant in disease. Therefore, it has been classified as a Variant of Uncertain Significance.

NM_153682.3(PIGP):c.116C>T (p.Ser39Phe)

Gene: PIGP (phosphatidylinositol glycan anchor biosynthesis class P; minus strand). Cytogenetic location: 21q22.13.
Variant type: single nucleotide variant.
Coding change: c.116C>T on transcript NM_153682.3 (MANE Select); coding-DNA position 116, C replaced by T.
Protein change: p.Ser39Phe; replaces serine 39 with phenylalanine.
Molecular consequence: missense variant.
Genome position (GRCh38, 1-based): chr21:37,069,591, G>A on the plus strand (C>T on the coding strand, the complement: PIGP is on the minus strand). VCF-style: chr21-37069591-G-A. GRCh37 (hg19) VCF-style: chr21-38441891-G-A.
Other names: c.116C>T, p.Ser39Phe (NM_001320480.2); c.38C>T, p.Ser13Phe (NM_016430.4); c.188C>T, p.Ser63Phe (NM_153681.2); short protein forms S63F, S13F, S39F.
Identifiers: ClinVar variation 1362668 (VCV001362668.3), dbSNP rs114530906, ClinGen allele CA10021108.